The following is an entry in ClinVar:

ClinVar aggregate classification (germline): Uncertain significance (1 of 4 stars; one submission).

Conditions:
Charcot-Marie-Tooth disease type 4. Also called: Charcot-Marie-Tooth, Type 4; Charcot-Marie-Tooth disease, type IV. Identifiers: Orphanet 64749, MedGen C4082197, MONDO:0018995.

Submission:

Labcorp Genetics (formerly Invitae), Labcorp
Classification: Uncertain significance for Charcot-Marie-Tooth disease type 4. Last evaluated: 2021-11-29. Review status: criteria provided, single submitter. Criteria: Invitae Variant Classification Sherloc (09022015). Collection method: clinical testing. Allele origin: germline.
Comment: In summary, the available evidence is currently insufficient to determine the role of this variant in disease. Therefore, it has been classified as a Variant of Uncertain Significance. Algorithms developed to predict the effect of missense changes on protein structure and function are either unavailable or do not agree on the potential impact of this missense change (SIFT: "Deleterious"; PolyPhen-2: "Possibly Damaging"; Align-GVGD: "Class C0"). This variant has not been reported in the literature in individuals affected with SBF2-related conditions. This variant is not present in population databases (gnomAD no frequency). This sequence change replaces isoleucine, which is neutral and non-polar, with threonine, which is neutral and polar, at codon 956 of the SBF2 protein (p.Ile956Thr).

NM_030962.4(SBF2):c.2867T>C (p.Ile956Thr)

Genes: SBF2 (SET binding factor 2; minus strand), LOC101928008 (uncharacterized LOC101928008; plus strand). Cytogenetic location: 11p15.4.
Variant type: single nucleotide variant.
Coding change: c.2867T>C on transcript NM_030962.4 (MANE Select); coding-DNA position 2867, T replaced by C.
Protein change: p.Ile956Thr; replaces isoleucine 956 with threonine.
Molecular consequence: missense variant.
Genome position (GRCh38, 1-based): chr11:9,847,023, A>G on the plus strand (T>C on the coding strand, the complement: SBF2 is on the minus strand). VCF-style: chr11-9847023-A-G. GRCh37 (hg19) VCF-style: chr11-9868570-A-G.
Other names: c.2867T>C, p.Ile956Thr (NM_001386339.1); c.2738T>C, p.Ile913Thr (NM_001386342.1); short protein forms I913T, I956T.
Identifiers: ClinVar variation 1496180 (VCV001496180.6), dbSNP rs2133973910, ClinGen allele CA379633786.